The following is an entry in ClinVar:

ClinVar aggregate classification (germline): Uncertain significance (1 of 4 stars; one submission).

Conditions:
Dilated cardiomyopathy 1G (CMD1G). Identifiers: Orphanet 154, MedGen C1858763, MONDO:0011400, OMIM 604145.
Autosomal recessive limb-girdle muscular dystrophy type 2J (LGMDR10). Also called: Limb-girdle muscular dystrophy, type 2J; MUSCULAR DYSTROPHY, LIMB-GIRDLE, AUTOSOMAL RECESSIVE 10. Identifiers: Orphanet 140922, MedGen C1837342, MONDO:0012127, OMIM 608807.

Allele frequency attached by ClinVar (database versions not stated): TOPMed 0.00002.
gnomAD v4.1: 1 of 1,613,908 alleles (0.000062%); highest among the groups gnomAD compares: Admixed American, 0.0017%; no homozygotes.

Submission:

Labcorp Genetics (formerly Invitae), Labcorp
Classification: Uncertain significance for Dilated cardiomyopathy 1G; Autosomal recessive limb-girdle muscular dystrophy type 2J. Last evaluated: 2023-04-26. Review status: criteria provided, single submitter. Criteria: Invitae Variant Classification Sherloc (09022015). Collection method: clinical testing. Allele origin: germline.
Comment: This variant is located in the M band of TTN (PMID: 25589632). Variants in this region may be relevant for neuromuscular disorders, but have not been definitively shown to cause cardiomyopathy (PMID: 23975875). In summary, the available evidence is currently insufficient to determine the role of this variant in disease. Therefore, it has been classified as a Variant of Uncertain Significance. Algorithms developed to predict the effect of missense changes on protein structure and function output the following: SIFT: "Not Available"; PolyPhen-2: "Not Available"; Align-GVGD: "Not Available". The isoleucine amino acid residue is found in multiple mammalian species, which suggests that this missense change does not adversely affect protein function. This variant has not been reported in the literature in individuals affected with TTN-related conditions. This variant is present in population databases (no rsID available, gnomAD 0.003%). This sequence change replaces valine, which is neutral and non-polar, with isoleucine, which is neutral and non-polar, at codon 35570 of the TTN protein (p.Val35570Ile).

Literature cited by the submitters: PubMed 25589632; PubMed 23975875.

NM_001267550.2(TTN):c.106708G>A (p.Val35570Ile)

Genes: TTN-AS1 (TTN antisense RNA 1; plus strand), TTN (titin; minus strand). Cytogenetic location: 2q31.2.
Variant type: single nucleotide variant.
Coding change: c.106708G>A on transcript NM_001267550.2 (MANE Select); coding-DNA position 106708, G replaced by A.
Protein change: p.Val35570Ile; replaces valine 35570 with isoleucine.
Molecular consequence: missense variant.
Genome position (GRCh38, 1-based): chr2:178,529,043, C>T on the plus strand (G>A on the coding strand, the complement: TTN is on the minus strand). VCF-style: chr2-178529043-C-T. GRCh37 (hg19) VCF-style: chr2-179393770-C-T.
Other names: c.101785G>A, p.Val33929Ile (NM_001256850.1); c.79513G>A, p.Val26505Ile (NM_003319.4); c.99004G>A, p.Val33002Ile (NM_133378.4); c.79888G>A, p.Val26630Ile (NM_133432.3); c.80089G>A, p.Val26697Ile (NM_133437.4); short protein forms V26697I, V33002I, V33929I, V35570I, V26505I, V26630I.
Identifiers: ClinVar variation 2927445 (VCV002927445.3), dbSNP rs762923784, ClinGen allele CA349403476.